The following is an entry in ClinVar:

NM_019892.6(INPP5E):c.148C>G (p.Leu50Val)

Gene: INPP5E (inositol polyphosphate-5-phosphatase E; minus strand). Cytogenetic location: 9q34.3.
Variant type: single nucleotide variant.
Coding change: c.148C>G on transcript NM_019892.6 (MANE Select); coding-DNA position 148, C replaced by G.
Protein change: p.Leu50Val; replaces leucine 50 with valine.
Molecular consequence: missense variant.
Genome position (GRCh38, 1-based): chr9:136,439,272, G>C on the plus strand (C>G on the coding strand, the complement: INPP5E is on the minus strand). VCF-style: chr9-136439272-G-C. GRCh37 (hg19) VCF-style: chr9-139333724-G-C.
Other names: c.148C>G, p.Leu50Val (NM_001318502.2); short protein forms L50V.
Identifiers: ClinVar variation 4991995 (VCV004991995.1).
Genomic context (GRCh38, chr9:136,439,272, plus strand): 5'-TGGGTGCTGCTCGGGCTGGCGGGTCCTCGCCGCTGGGCGTGGCCGGAGTGCTGCAGGCAA[G>C]CGCGGGGCTCTCGGAGCCCGGAGCATCGGGTGGGGACCCCGCGCGCTGGGCCGGCGGAGC-3'
Protein context (NP_063945.2, residues 40-60): PDAPGSESPA[Leu50Val]ACSTPATPSG

ClinVar aggregate classification (germline): Uncertain significance (1 of 4 stars; one submission).

Conditions:
INPP5E-related disorder. Also called: INPP5E-related condition.

Submission:

PreventionGenetics, part of Exact Sciences
Classification: Uncertain significance for INPP5E-related condition. Last evaluated: 2026-05-29. Review status: criteria provided, single submitter. Criteria: ACMG Guidelines, 2015. Collection method: clinical testing. Allele origin: germline.
Comment: The INPP5E c.148C>G variant is predicted to result in the amino acid substitution p.Leu50Val. To our knowledge, this variant has not been reported in the literature or in a large population database (gnomAD), indicating this variant is rare. At this time, the clinical significance of this variant is uncertain due to the absence of conclusive functional and genetic evidence.